The following is an entry in ClinVar:

NM_033064.5(ATCAY):c.*507G>C

Gene: ATCAY (ATCAY kinesin light chain interacting caytaxin; plus strand). Cytogenetic location: 19p13.3.
Variant type: single nucleotide variant.
Coding change: c.*507G>C on transcript NM_033064.5 (MANE Select); 507 bases downstream of the stop codon, G replaced by C.
Molecular consequence: 3 prime UTR variant.
Genome position (GRCh38, 1-based): chr19:3,925,099, G>C. VCF-style: chr19-3925099-G-C. GRCh37 (hg19) VCF-style: chr19-3925097-G-C.
Identifiers: ClinVar variation 893974 (VCV000893974.4), dbSNP rs116813246, ClinGen allele CA304405066.

ClinVar aggregate classification (germline): Benign (1 of 4 stars; one submission).

Conditions:
Cayman type cerebellar ataxia. Also called: Cayman ataxia. Identifiers: Orphanet 94122, MedGen C1832585, MONDO:0011025, OMIM 601238.

Allele frequency attached by ClinVar (database versions not stated): gnomAD exomes 0.00179; gnomAD 0.01819 and 0.01949; 1000 Genomes Project 0.01857; TOPMed 0.01960; 1000 Genomes Project 30x 0.02155.
gnomAD v4.1: 2,744 of 155,062 alleles (1.8%); highest among the groups gnomAD compares: African/African-American, 6.3%; 84 homozygotes.

Submission:

Illumina Laboratory Services, Illumina
Classification: Benign for Cayman type cerebellar ataxia. Last evaluated: 2018-01-13. Review status: criteria provided, single submitter. Criteria: ICSL Variant Classification Criteria 13 December 2019. Collection method: clinical testing. Allele origin: germline.
Comment: This variant was observed in the ICSL laboratory as part of a predisposition screen in an ostensibly healthy population. It had not been previously curated by ICSL or reported in the Human Gene Mutation Database (HGMD: prior to June 1st, 2018), and was therefore a candidate for classification through an automated scoring system. Utilizing variant allele frequency, disease prevalence and penetrance estimates, and inheritance mode, an automated score was calculated to assess if this variant is too frequent to cause the disease. Based on the score and internal cut-off values, a variant classified as benign is not then subjected to further curation. The score for this variant resulted in a classification of benign for this disease.